The following is an entry in ClinVar:

NM_003072.5(SMARCA4):c.3726G>A (p.Glu1242=)

Gene: SMARCA4 (SWI/SNF related BAF chromatin remodeling complex subunit ATPase 4; plus strand). Cytogenetic location: 19p13.2.
Variant type: single nucleotide variant.
Coding change: c.3726G>A on transcript NM_003072.5 (MANE Select); coding-DNA position 3726, G replaced by A.
Protein change: p.Glu1242=; no amino-acid change (glutamic acid 1242 retained).
Molecular consequence: synonymous variant. On other transcripts: non-coding transcript variant (1).
Genome position (GRCh38, 1-based): chr19:11,033,469, G>A. VCF-style: chr19-11033469-G-A. GRCh37 (hg19) VCF-style: chr19-11144145-G-A.
Other names: c.3726G>A, p.Glu1242= (NM_001128844.3, NM_001128845.2, NM_001128846.2 and 5 more transcripts).
Identifiers: ClinVar variation 480667 (VCV000480667.17), dbSNP rs1396665681, ClinGen allele CA505743693.

ClinVar aggregate classification (germline): Benign/Likely benign. Review status: criteria provided, multiple submitters, no conflicts (2 of 4 stars). 3 submissions from 3 submitters: Benign (1); Likely benign (2). Last evaluated 2026-07-15.

Conditions:
Hereditary cancer-predisposing syndrome. Also called: Tumor predisposition; Neoplastic Syndromes, Hereditary; Hereditary Cancer Syndrome; Hereditary neoplastic syndrome. Identifiers: Orphanet 140162, MedGen C0027672, MeSH D009386, MONDO:0015356.
Rhabdoid tumor predisposition syndrome 2 (RTPS2). Identifiers: Orphanet 231108, Orphanet 69077, MedGen C2750074, MONDO:0013224, OMIM 613325.

Allele frequency attached by ClinVar (database versions not stated): gnomAD exomes 0.00001 and below 0.00001.
gnomAD v4.1: 10 of 1,613,372 alleles (0.00062%); highest among the groups gnomAD compares: South Asian, 0.0077%; no homozygotes.

Submissions (3):

Myriad Genetics, Inc.
Classification: Benign for Rhabdoid tumor predisposition syndrome 2. Last evaluated: 2026-07-15. Review status: criteria provided, single submitter. Criteria: Myriad Autosomal Dominant, Autosomal Recessive and X-Linked Classification Criteria (2023). Collection method: clinical testing. Allele origin: unknown.
Comment: This variant is considered benign. This variant is a silent/synonymous amino acid change and it is not expected to impact splicing.

Labcorp Genetics (formerly Invitae), Labcorp
Classification: Likely benign for Rhabdoid tumor predisposition syndrome 2. Last evaluated: 2025-12-22. Review status: criteria provided, single submitter. Criteria: Invitae Variant Classification Sherloc (09022015). Collection method: clinical testing. Allele origin: germline.

Ambry Genetics
Classification: Likely benign for Hereditary cancer-predisposing syndrome. Last evaluated: 2017-01-20. Review status: criteria provided, single submitter. Criteria: Ambry Variant Classification Scheme 2023. Collection method: clinical testing. Allele origin: germline.